The following is an entry in ClinVar:

ClinVar aggregate classification (germline): Benign (1 of 4 stars; one submission).

Allele frequency attached by ClinVar (database versions not stated): gnomAD exomes 0.00014; ESP Exome Variant Server 0.00015; ExAC 0.00023; gnomAD 0.00026; TOPMed 0.00035; 1000 Genomes Project 30x 0.00062; 1000 Genomes Project 0.00080.
gnomAD v4.1: 250 of 1,611,890 alleles (0.016%); highest among the groups gnomAD compares: Admixed American, 0.13%; no homozygotes.

Submission:

Women's Health and Genetics/Laboratory Corporation of America, LabCorp
Classification: Benign. Last evaluated: 2022-09-19. Review status: criteria provided, single submitter. Criteria: LabCorp Variant Classification Summary - May 2015. Collection method: clinical testing. Allele origin: germline.
Comment: Variant summary: PON2 c.195T>C alters a conserved nucleotide resulting in a synonymous change. Two computational tools predict the variant has no significant impact on splicing, whereas two predict that the variant strengthens a cryptic 3' acceptor site. However, these predictions have yet to be confirmed by functional studies. The variant allele was found at a frequency of 0.00033 in 251384 control chromosomes, predominantly at a frequency of 0.0012 within the Latino subpopulation in the gnomAD database. The observed variant frequency within Latino control individuals in the gnomAD database is approximately 60 fold of the estimated maximal expected allele frequency for a pathogenic variant in PON2 causing Early Onset Coronary Artery Disease phenotype (2e-05), strongly suggesting that the variant is a benign polymorphism found primarily in populations of Latino origin. To our knowledge, no occurrence of c.195T>C in individuals affected with Early Onset Coronary Artery Disease and no experimental evidence demonstrating its impact on protein function have been reported. No clinical diagnostic laboratories have submitted clinical-significance assessments for this variant to ClinVar after 2014. Based on the evidence outlined above, the variant was classified as benign.

NM_000305.3(PON2):c.195T>C (p.Phe65=)

Genes: ASB4 (ankyrin repeat and SOCS box containing 4; plus strand), PON2 (paraoxonase 2; minus strand), LOC107986822 (uncharacterized LOC107986822; plus strand). Cytogenetic location: 7q21.3.
Variant type: single nucleotide variant.
Coding change: c.195T>C on transcript NM_000305.3 (MANE Select); coding-DNA position 195, T replaced by C.
Protein change: p.Phe65=; no amino-acid change (phenylalanine 65 retained).
Molecular consequence: synonymous variant.
Genome position (GRCh38, 1-based): chr7:95,416,248, A>G on the plus strand (T>C on the coding strand, the complement: PON2 is on the minus strand). VCF-style: chr7-95416248-A-G. GRCh37 (hg19) VCF-style: chr7-95045560-A-G.
Other names: c.195T>C, p.Phe65= (NM_001018161.2).
Identifiers: ClinVar variation 1722346 (VCV001722346.1), dbSNP rs115800748, ClinGen allele CA4351132.